The following is an entry in ClinVar:

NM_001367624.2(ZNF469):c.1909C>T (p.Pro637Ser)

Gene: ZNF469 (zinc finger protein 469; plus strand). Cytogenetic location: 16q24.2.
Variant type: single nucleotide variant.
Coding change: c.1909C>T on transcript NM_001367624.2 (MANE Select); coding-DNA position 1909, C replaced by T.
Protein change: p.Pro637Ser; replaces proline 637 with serine.
Molecular consequence: missense variant.
Genome position (GRCh38, 1-based): chr16:88,429,379, C>T. VCF-style: chr16-88429379-C-T. GRCh37 (hg19) VCF-style: chr16-88495787-C-T.
Other names: NM_001127464.1:c.1909C>T; short protein forms P637S.
Identifiers: ClinVar variation 1428180 (VCV001428180.8), dbSNP rs997748968, ClinGen allele CA286373190.

ClinVar aggregate classification (germline): Uncertain significance. Review status: criteria provided, multiple submitters, no conflicts (2 of 4 stars). 2 submissions from 2 submitters: Uncertain significance (2). Last evaluated 2024-10-24.

Conditions:
Cardiovascular phenotype. Identifiers: MedGen CN230736.

Allele frequency attached by ClinVar (database versions not stated): gnomAD exomes below 0.00001 and 0.00001; gnomAD 0.00009 and 0.00011; 1000 Genomes Project 30x 0.00016; TOPMed 0.00022.
gnomAD v4.1: 26 of 1,549,716 alleles (0.0017%); highest among the groups gnomAD compares: Admixed American, 0.035%; no homozygotes.

Submissions (2):

Ambry Genetics
Classification: Uncertain significance for Cardiovascular phenotype. Last evaluated: 2024-10-24. Review status: criteria provided, single submitter. Criteria: Ambry Variant Classification Scheme 2023. Collection method: clinical testing. Allele origin: germline.
Comment: The p.P637S variant (also known as c.1909C>T), located in coding exon 1 of the ZNF469 gene, results from a C to T substitution at nucleotide position 1909. The proline at codon 637 is replaced by serine, an amino acid with similar properties. This amino acid position is conserved. In addition, this alteration is predicted to be tolerated by in silico analysis. Since supporting evidence is limited at this time, the clinical significance of this alteration remains unclear.

Labcorp Genetics (formerly Invitae), Labcorp
Classification: Uncertain significance. Last evaluated: 2022-10-14. Review status: criteria provided, single submitter. Criteria: Invitae Variant Classification Sherloc (09022015). Collection method: clinical testing. Allele origin: germline.
Comment: This sequence change replaces proline, which is neutral and non-polar, with serine, which is neutral and polar, at codon 637 of the ZNF469 protein (p.Pro637Ser). This variant is present in population databases (no rsID available, gnomAD 0.004%). This variant has not been reported in the literature in individuals affected with ZNF469-related conditions. ClinVar contains an entry for this variant (Variation ID: 1428180). Algorithms developed to predict the effect of missense changes on protein structure and function (SIFT, PolyPhen-2, Align-GVGD) all suggest that this variant is likely to be tolerated. In summary, the available evidence is currently insufficient to determine the role of this variant in disease. Therefore, it has been classified as a Variant of Uncertain Significance.